The following is an entry in ClinVar:

ClinVar aggregate classification (germline): Likely benign (1 of 4 stars; one submission).

Allele frequency attached by ClinVar (database versions not stated): gnomAD 0.00001; ExAC 0.00002; gnomAD exomes 0.00002 and 0.00003; TOPMed 0.00004.

Submission:

Laboratory for Molecular Medicine, Mass General Brigham Personalized Medicine
Classification: Likely benign. Last evaluated: 2010-10-04. Review status: criteria provided, single submitter. Criteria: LMM Criteria. Collection method: clinical testing. Allele origin: germline. Observed: 1 variant allele.
Comment: Tyr68Cys in exon 2 of GJB2: This variant has been reported with a similar frequency in individuals with hearing loss (3/4,032 (.07%)) and controls (3/7,770 (.04%)) and none of the 3 probands were noted to have a second GJB2 variant (Guo 2008, Roux 2004, Tsukada 2010). In addition, this variant is not conserved across mammals. In summary, the data suggests that this variant is most likely benign.

Literature cited by the submitters: PubMed 15070423; PubMed 18274916; PubMed 20497192.

NM_004004.6(GJB2):c.203A>G (p.Tyr68Cys)

Gene: GJB2 (gap junction protein beta 2; minus strand). Cytogenetic location: 13q12.11.
Variant type: single nucleotide variant.
Coding change: c.203A>G on transcript NM_004004.6 (MANE Select); coding-DNA position 203, A replaced by G.
Protein change: p.Tyr68Cys; replaces tyrosine 68 with cysteine.
Molecular consequence: missense variant.
Genome position (GRCh38, 1-based): chr13:20,189,379, T>C on the plus strand (A>G on the coding strand, the complement: GJB2 is on the minus strand). VCF-style: chr13-20189379-T-C. GRCh37 (hg19) VCF-style: chr13-20763518-T-C.
Other names: short protein forms Y68C.
Identifiers: ClinVar variation 44730 (VCV000044730.4), dbSNP rs397516870, ClinGen allele CA134951.